The following is an entry in ClinVar:

ClinVar aggregate classification (germline): Uncertain significance (1 of 4 stars; one submission).

Conditions:
Werner syndrome (WRN). Identifiers: Orphanet 902, MedGen C0043119, MONDO:0010196, OMIM 277700.

Submission:

Labcorp Genetics (formerly Invitae), Labcorp
Classification: Uncertain significance for Werner syndrome. Last evaluated: 2023-01-19. Review status: criteria provided, single submitter. Criteria: Invitae Variant Classification Sherloc (09022015). Collection method: clinical testing. Allele origin: germline.
Comment: This sequence change replaces asparagine, which is neutral and polar, with lysine, which is basic and polar, at codon 381 of the WRN protein (p.Asn381Lys). This variant is not present in population databases (gnomAD no frequency). This variant has not been reported in the literature in individuals affected with WRN-related conditions. ClinVar contains an entry for this variant (Variation ID: 962901). Algorithms developed to predict the effect of missense changes on protein structure and function output the following: SIFT: "Not Available"; PolyPhen-2: "Benign"; Align-GVGD: "Not Available". The lysine amino acid residue is found in multiple mammalian species, which suggests that this missense change does not adversely affect protein function. In summary, the available evidence is currently insufficient to determine the role of this variant in disease. Therefore, it has been classified as a Variant of Uncertain Significance.

NM_000553.6(WRN):c.1143C>A (p.Asn381Lys)

Gene: WRN (WRN RecQ like helicase; plus strand). Cytogenetic location: 8p12.
Variant type: single nucleotide variant.
Coding change: c.1143C>A on transcript NM_000553.6 (MANE Select); coding-DNA position 1143, C replaced by A.
Protein change: p.Asn381Lys; replaces asparagine 381 with lysine.
Molecular consequence: missense variant.
Genome position (GRCh38, 1-based): chr8:31,081,170, C>A. VCF-style: chr8-31081170-C-A. GRCh37 (hg19) VCF-style: chr8-30938686-C-A.
Other names: short protein forms N381K.
Identifiers: ClinVar variation 962901 (VCV000962901.5), dbSNP rs1585428126, ClinGen allele CA370920940.